The following is an entry in ClinVar:

NM_000090.4(COL3A1):c.779C>T (p.Pro260Leu)

Gene: COL3A1 (collagen type III alpha 1 chain; plus strand). Cytogenetic location: 2q32.2.
Variant type: single nucleotide variant.
Coding change: c.779C>T on transcript NM_000090.4 (MANE Select); coding-DNA position 779, C replaced by T.
Protein change: p.Pro260Leu; replaces proline 260 with leucine.
Molecular consequence: missense variant.
Genome position (GRCh38, 1-based): chr2:188,990,341, C>T. VCF-style: chr2-188990341-C-T. GRCh37 (hg19) VCF-style: chr2-189855067-C-T.
Other names: short protein forms P260L.
Identifiers: ClinVar variation 4527767 (VCV004527767.1).

ClinVar aggregate classification (germline): Uncertain significance (1 of 4 stars; one submission).

Submission:

GeneDx
Classification: Uncertain significance. Last evaluated: 2025-04-30. Review status: criteria provided, single submitter. Criteria: GeneDx Variant Classification Process June 2021. Collection method: clinical testing. Allele origin: germline. Affected: yes.
Comment: Not observed at significant frequency in large population cohorts (gnomAD); In silico analysis supports that this missense variant has a deleterious effect on protein structure/function; Has not been previously published as pathogenic or benign to our knowledge